The following is an entry in ClinVar:

NM_001211.6(BUB1B):c.2137A>G (p.Thr713Ala)

Gene: BUB1B (BUB1 mitotic checkpoint serine/threonine kinase B; plus strand). Cytogenetic location: 15q15.1.
Variant type: single nucleotide variant.
Coding change: c.2137A>G on transcript NM_001211.6 (MANE Select); coding-DNA position 2137, A replaced by G.
Protein change: p.Thr713Ala; replaces threonine 713 with alanine.
Molecular consequence: missense variant.
Genome position (GRCh38, 1-based): chr15:40,208,764, A>G. VCF-style: chr15-40208764-A-G. GRCh37 (hg19) VCF-style: chr15-40500965-A-G.
Other names: short protein forms T713A.
Identifiers: ClinVar variation 2565459 (VCV002565459.2), dbSNP rs2140905623, ClinGen allele CA391693947.

ClinVar aggregate classification (germline): Uncertain significance (1 of 4 stars; one submission).

Conditions:
Inborn genetic diseases. Identifiers: MedGen C0950123, MeSH D030342.

Submission:

Ambry Genetics
Classification: Uncertain significance for Inborn genetic diseases. Last evaluated: 2023-05-05. Review status: criteria provided, single submitter. Criteria: Ambry Variant Classification Scheme 2023. Collection method: clinical testing. Allele origin: germline.
Comment: The p.T713A variant (also known as c.2137A>G), located in coding exon 16 of the BUB1B gene, results from an A to G substitution at nucleotide position 2137. The threonine at codon 713 is replaced by alanine, an amino acid with similar properties. This amino acid position is conserved. In addition, this alteration is predicted to be tolerated by in silico analysis. Since supporting evidence is limited at this time, the clinical significance of this alteration remains unclear.